The following is an entry in ClinVar:

NM_145261.4(DNAJC19):c.295dup (p.Ile99fs)

Gene: DNAJC19 (DnaJ heat shock protein family (Hsp40) member C19; minus strand). Cytogenetic location: 3q26.33.
Variant type: Duplication.
Coding change: c.295dup on transcript NM_145261.4 (MANE Select); coding-DNA position 295, one base duplicated (A; older notation c.295dupA).
Protein change: p.Ile99fs; shifts the reading frame from isoleucine 99.
Molecular consequence: frameshift variant. On other transcripts: non-coding transcript variant (4).
Genome position (GRCh38, 1-based): chr3:180,984,696, T duplicated on the plus strand (A on the coding strand, the reverse complement: DNAJC19 is on the minus strand). VCF-style (leftmost placement, unchanged base first): chr3-180984695-A-AT. GRCh37 (hg19) VCF-style: chr3-180702483-A-AT.
Other names: c.220dup, p.Ile74fs (NM_001190233.2); short protein forms I74fs, I99fs.
Identifiers: ClinVar variation 2185705 (VCV002185705.2), dbSNP rs761342359, ClinGen allele CA2717048.

ClinVar aggregate classification (germline): Uncertain significance (1 of 4 stars; one submission).

Conditions:
3-methylglutaconic aciduria type 5. Also called: MGA, TYPE V; CARDIOMYOPATHY, DILATED, WITH ATAXIA; 3 alpha methylglutaconic aciduria type V; MGA 5. Identifiers: Orphanet 66634, MedGen C1857776, MONDO:0012435, OMIM 610198.

Allele frequency attached by ClinVar (database versions not stated): ExAC 0.00001.

Submission:

Labcorp Genetics (formerly Invitae), Labcorp
Classification: Uncertain significance for 3-methylglutaconic aciduria type 5. Last evaluated: 2023-12-11. Review status: criteria provided, single submitter. Criteria: Invitae Variant Classification Sherloc (09022015). Collection method: clinical testing. Allele origin: germline.
Comment: This sequence change creates a premature translational stop signal (p.Ile99Asnfs*7) in the DNAJC19 gene. While this is not anticipated to result in nonsense mediated decay, it is expected to disrupt the last 18 amino acid(s) of the DNAJC19 protein. This variant is present in population databases (rs761342359, gnomAD 0.0009%). This variant has not been reported in the literature in individuals affected with DNAJC19-related conditions. ClinVar contains an entry for this variant (Variation ID: 2185705). This variant disrupts a region of the DNAJC19 protein in which other variant(s) (p.Ala101Profs*10) have been observed in individuals with DNAJC19-related conditions (PMID: 22797137). This suggests that this is a clinically significant region of the protein, and that variants that disrupt it are likely to be disease-causing. In summary, the available evidence is currently insufficient to determine the role of this variant in disease. Therefore, it has been classified as a Variant of Uncertain Significance.

Literature cited by the submitters: PubMed 22797137.